The following is an entry in ClinVar:

ClinVar aggregate classification (germline): Benign/Likely benign. Review status: criteria provided, multiple submitters, no conflicts (2 of 4 stars). 4 submissions from 4 submitters: Benign (1); Likely benign (3). Last evaluated 2026-06-04.

Conditions:
Gastrointestinal stromal tumor. Also called: Gastrointestinal stromal tumor, somatic; Gastrointestinal stroma tumor. Identifiers: Orphanet 44890, MedGen C0238198, MeSH D046152, MONDO:0011719, OMIM 606764, HP:0100723.
Hereditary cancer-predisposing syndrome. Also called: Tumor predisposition; Hereditary Cancer Syndrome; Hereditary neoplastic syndrome; Neoplastic Syndromes, Hereditary. Identifiers: Orphanet 140162, MedGen C0027672, MeSH D009386, MONDO:0015356.

Allele frequency attached by ClinVar (database versions not stated): gnomAD 0.00001; gnomAD exomes 0.00001 and 0.00002; TOPMed 0.00001.
gnomAD v4.1: 12 of 1,613,228 alleles (0.00074%); highest among the groups gnomAD compares: Non-Finnish European, 0.001%; no homozygotes.

Submissions (4):

Myriad Genetics, Inc.
Classification: Benign for Gastrointestinal stromal tumor. Last evaluated: 2026-06-04. Review status: criteria provided, single submitter. Criteria: Myriad Autosomal Dominant, Autosomal Recessive and X-Linked Classification Criteria (2023). Collection method: clinical testing. Allele origin: unknown.
Comment: This variant is considered benign. This variant is a silent/synonymous amino acid change and it is not expected to impact splicing.

Labcorp Genetics (formerly Invitae), Labcorp
Classification: Likely benign for Gastrointestinal stromal tumor. Last evaluated: 2026-02-03. Review status: criteria provided, single submitter. Criteria: Invitae Variant Classification Sherloc (09022015). Collection method: clinical testing. Allele origin: germline.

Blueprint Genetics
Classification: Likely benign. Last evaluated: 2024-11-21. Review status: criteria provided, single submitter. Criteria: ACMG Guidelines, 2015. Collection method: clinical testing. Allele origin: germline.

Ambry Genetics
Classification: Likely benign for Hereditary cancer-predisposing syndrome. Last evaluated: 2022-03-16. Review status: criteria provided, single submitter. Criteria: Ambry Variant Classification Scheme 2023. Collection method: clinical testing. Allele origin: germline.

NM_000222.3(KIT):c.1803G>A (p.Gly601=)

Gene: KIT (KIT proto-oncogene, receptor tyrosine kinase; plus strand). Cytogenetic location: 4q12.
Variant type: single nucleotide variant.
Coding change: c.1803G>A on transcript NM_000222.3 (MANE Select); coding-DNA position 1803, G replaced by A.
Protein change: p.Gly601=; no amino-acid change (glycine 601 retained).
Molecular consequence: synonymous variant.
Genome position (GRCh38, 1-based): chr4:54,727,851, G>A. VCF-style: chr4-54727851-G-A. GRCh37 (hg19) VCF-style: chr4-55594017-G-A.
Other names: c.1791G>A, p.Gly597= (NM_001093772.2, NM_001385286.1); c.1806G>A, p.Gly602= (NM_001385284.1, NM_001385290.1); c.1803G>A, p.Gly601= (NM_001385285.1); c.1794G>A, p.Gly598= (NM_001385288.1, NM_001385292.1).
Identifiers: ClinVar variation 415814 (VCV000415814.16), dbSNP rs1060504661, ClinGen allele CA16611508.